The following is an entry in ClinVar:

ClinVar aggregate classification (germline): Conflicting classifications of pathogenicity. Review status: criteria provided, conflicting classifications (1 of 4 stars). 6 submissions from 6 submitters: Uncertain significance (2); Likely benign (4). Last evaluated 2026-02-01.

Conditions:
Hereditary cancer-predisposing syndrome. Also called: Neoplastic Syndromes, Hereditary; Tumor predisposition; Hereditary Cancer Syndrome; Hereditary neoplastic syndrome. Identifiers: Orphanet 140162, MedGen C0027672, MeSH D009386, MONDO:0015356.
Monocytopenia with susceptibility to infections. Also called: IMMUNODEFICIENCY 21; MONOCYTOPENIA AND MYCOBACTERIAL INFECTION SYNDROME; MONOCYTOPENIA WITH SUSCEPTIBILITY TO MYCOBACTERIAL, FUNGAL, AND PAPILLOMAVIRUS INFECTIONS AND MYELODYSPLASIA; COMBINED IMMUNODEFICIENCY WITH SUSCEPTIBILITY TO MYCOBACTERIAL, VIRAL, AND FUNGAL INFECTIONS; Dendritic cell, monocyte, B lymphocyte, and natural killer lymphocyte deficiency; GATA2 DEFICIENCY. Identifiers: Orphanet 228423, MedGen C3280030, MONDO:0013607, OMIM 614172.
Deafness-lymphedema-leukemia syndrome. Also called: Lymphedema, primary, with myelodysplasia; Emberger syndrome. Identifiers: Orphanet 3226, MedGen C3279664, MONDO:0013540, OMIM 614038.

Submissions (6):

Labcorp Genetics (formerly Invitae), Labcorp
Classification: Likely benign for Monocytopenia with susceptibility to infections; Deafness-lymphedema-leukemia syndrome. Last evaluated: 2026-02-01. Review status: criteria provided, single submitter. Criteria: Invitae Variant Classification Sherloc (09022015). Collection method: clinical testing. Allele origin: germline.

Mayo Clinic Laboratories, Mayo Clinic
Classification: Likely benign. Last evaluated: 2025-07-22. Review status: criteria provided, single submitter. Criteria: ACMG Guidelines, 2015. Collection method: clinical testing. Allele origin: germline. Observed: 2 variant alleles.
Comment: BP4, BP7

Blueprint Genetics
Classification: Likely benign. Last evaluated: 2024-10-14. Review status: criteria provided, single submitter. Criteria: ACMG Guidelines, 2015. Collection method: clinical testing. Allele origin: germline.

Women's Health and Genetics/Laboratory Corporation of America, LabCorp
Classification: Likely benign. Last evaluated: 2024-09-25. Review status: criteria provided, single submitter. Criteria: LabCorp Variant Classification Summary - May 2015. Collection method: clinical testing. Allele origin: germline.
Comment: Variant summary: GATA2 c.230-12_230-9delCTTT alters nucleotides located at a position not widely known to affect splicing. Consensus agreement among computation tools predict no significant impact on normal splicing. However, these predictions have yet to be confirmed by functional studies. The variant allele was found at a frequency of 0.00022 in 217586 control chromosomes, predominantly at a frequency of 0.00045 within the Non-Finnish European subpopulation in the gnomAD database. This frequency is not significantly higher than estimated for a pathogenic variant in GATA2 causing GATA2-Related Disorders, allowing no conclusion about variant significance. To our knowledge, no occurrence of c.230-12_230-9delCTTT in individuals affected with GATA2-Related Disorders and no experimental evidence demonstrating its impact on protein function have been reported. ClinVar contains an entry for this variant (Variation ID: 412753). Based on the evidence outlined above, the variant was classified as likely benign.

Sema4
Classification: Uncertain significance for Hereditary cancer-predisposing syndrome. Last evaluated: 2021-09-03. Review status: criteria provided, single submitter. Criteria: Sema4 Curation Guidelines. Collection method: curation. Allele origin: germline.
Comment: The GATA2 c.230-12_230-9delCTTT variant has been reported in heterozygosity in at least one individual with advanced cancer (PMID: 28873162). This variant was observed in 52/114240 chromosomes in the European (non-Finnish) population, with no homozygotes, according to the Genome Aggregation Database (PMID: 32461654) and has been reported in ClinVar (Variation ID: 412753). Functional studies have not been performed, and in silico predictions of the variant's effect on splicing are inconclusive. Based on the current evidence available, this variant is interpreted as a variant of uncertain significance.

Genetic Services Laboratory, University of Chicago
Classification: Uncertain significance. Last evaluated: 2021-01-25. Review status: criteria provided, single submitter. Criteria: ACMG Guidelines, 2015. Collection method: clinical testing. Allele origin: germline. Affected: no.
Comment: DNA sequence analysis of the GATA2 gene demonstrated a sequence change in intron 2, c.230-12_230-9del. This change does not appear to have been previously described in patients with GATA2-related disorders and has been described in the gnomAD database with a low population frequency of 0.02% (dbSNP rs780435066). This sequence change is not clearly predicted to have a deleterious effect on splicing based on in silico splice prediction programs. It is possible that this sequence change represents a benign sequence change in the GATA2 gene that has not been identified to date. The functional significance of this sequence change is not known at present and its contribution to this patient's disease phenotype cannot definitively be determined.

Literature cited by the submitters: PubMed 25241285 (cited by Women's Health and Genetics/Laboratory Corporation of America, LabCorp); PubMed 22814295 (cited by Women's Health and Genetics/Laboratory Corporation of America, LabCorp); PubMed 22649106 (cited by Women's Health and Genetics/Laboratory Corporation of America, LabCorp); PubMed 21892162 (cited by Women's Health and Genetics/Laboratory Corporation of America, LabCorp); PubMed 26660446 (cited by Women's Health and Genetics/Laboratory Corporation of America, LabCorp); PubMed 26124496 (cited by Women's Health and Genetics/Laboratory Corporation of America, LabCorp); PubMed 26022708 (cited by Women's Health and Genetics/Laboratory Corporation of America, LabCorp); PubMed 28654364 (cited by Women's Health and Genetics/Laboratory Corporation of America, LabCorp); PubMed 27276561 (cited by Women's Health and Genetics/Laboratory Corporation of America, LabCorp); PubMed 27069254 (cited by Women's Health and Genetics/Laboratory Corporation of America, LabCorp); PubMed 28873162 (cited by Sema4).

NM_032638.5(GATA2):c.230-12_230-9del

Gene: GATA2 (GATA binding protein 2; minus strand). Cytogenetic location: 3q21.3.
Variant type: Deletion.
Coding change: c.230-12_230-9del on transcript NM_032638.5 (MANE Select); 12 bases into the intron before coding-DNA position 230 through 9 bases into the intron before coding-DNA position 230, 4 bases deleted (CTTT; older notation c.230-12_230-9delCTTT).
Molecular consequence: intron variant.
Genome position (GRCh38, 1-based): chr3:128,486,377-128,486,380, AAAG deleted on the plus strand (CTTT on the coding strand, the reverse complement: GATA2 is on the minus strand); deleting any 4 consecutive bases within chr3:128,486,377-128,486,381 gives the same sequence; the c. name uses the placement nearest the transcript's 3' end. VCF-style (leftmost placement, unchanged base first): chr3-128486376-CAAAG-C. GRCh37 (hg19) VCF-style: chr3-128205219-CAAAG-C.
Other names: p.?; c.230-12_230-9delCTTT (NM_032638.5, NM_032638.4); c.230-12_230-9del (NM_001145662.1, NM_001145661.2).
Identifiers: ClinVar variation 412753 (VCV000412753.18), dbSNP rs760230147, ClinGen allele CA2600053.